The following is an entry in ClinVar:

NM_001198800.3(ASCC1):c.779G>A (p.Arg260His)

Gene: ASCC1 (activating signal cointegrator 1 complex subunit 1; minus strand). Cytogenetic location: 10q22.1.
Variant type: single nucleotide variant.
Coding change: c.779G>A on transcript NM_001198800.3 (MANE Select); coding-DNA position 779, G replaced by A.
Protein change: p.Arg260His; replaces arginine 260 with histidine.
Molecular consequence: missense variant. On other transcripts: non-coding transcript variant (1).
Genome position (GRCh38, 1-based): chr10:72,133,149, C>T on the plus strand (G>A on the coding strand, the complement: ASCC1 is on the minus strand). VCF-style: chr10-72133149-C-T. GRCh37 (hg19) VCF-style: chr10-73892907-C-T.
Other names: c.779G>A, p.Arg260His (NM_001198798.2, NM_001369087.1, NM_001369088.1 and 12 more transcripts); c.863G>A, p.Arg288His (NM_001198799.3); c.845G>A, p.Arg282His (NM_001369085.1, NM_001369086.1); c.725G>A, p.Arg242His (NM_001369099.1); c.659G>A, p.Arg220His (NM_001369100.1, NM_001369103.1, NM_001369104.1 and 3 more transcripts); c.662G>A, p.Arg221His (NM_001369101.1, NM_001369102.1, NM_001369105.1 and 2 more transcripts); short protein forms R220H, R221H, R282H, R242H, R260H, R288H.
Identifiers: ClinVar variation 4694380 (VCV004694380.1).

ClinVar aggregate classification (germline): Uncertain significance (1 of 4 stars; one submission).

gnomAD v4.1: 24 of 1,613,928 alleles (0.0015%); highest among the groups gnomAD compares: East Asian, 0.0045%; 1 homozygote.

Submission:

Labcorp Genetics (formerly Invitae), Labcorp
Classification: Uncertain significance. Last evaluated: 2025-08-04. Review status: criteria provided, single submitter. Criteria: Invitae Variant Classification Sherloc (09022015). Collection method: clinical testing. Allele origin: germline.
Comment: This sequence change replaces arginine, which is basic and polar, with histidine, which is basic and polar, at codon 260 of the ASCC1 protein (p.Arg260His). This variant is present in population databases (rs771359121, gnomAD 0.005%). This variant has not been reported in the literature in individuals affected with ASCC1-related conditions. Invitae Evidence Modeling of protein sequence and biophysical properties (such as structural, functional, and spatial information, amino acid conservation, physicochemical variation, residue mobility, and thermodynamic stability) indicates that this missense variant is not expected to disrupt ASCC1 protein function with a negative predictive value of 80%. In summary, the available evidence is currently insufficient to determine the role of this variant in disease. Therefore, it has been classified as a Variant of Uncertain Significance.